The following is an entry in ClinVar:

ClinVar aggregate classification (germline): Likely benign (1 of 4 stars; one submission).

gnomAD v4.1: 20 of 1,554,820 alleles (0.0013%); highest among the groups gnomAD compares: Admixed American, 0.002%; no homozygotes.

Submission:

GeneDx
Classification: Likely benign. Last evaluated: 2019-01-17. Review status: criteria provided, single submitter. Criteria: GeneDx Variant Classification Process June 2021. Collection method: clinical testing. Allele origin: germline. Affected: yes.
Comment: See Variant Classification Assertion Criteria.

NM_004522.3(KIF5C):c.2207G>A (p.Arg736Gln)

Gene: KIF5C (kinesin family member 5C; plus strand). Cytogenetic location: 2q23.1.
Variant type: single nucleotide variant.
Coding change: c.2207G>A on transcript NM_004522.3 (MANE Select); coding-DNA position 2207, G replaced by A.
Protein change: p.Arg736Gln; replaces arginine 736 with glutamine.
Molecular consequence: missense variant. On other transcripts: non-coding transcript variant (1).
Genome position (GRCh38, 1-based): chr2:148,998,506, G>A. VCF-style: chr2-148998506-G-A. GRCh37 (hg19) VCF-style: chr2-149855020-G-A.
Other names: short protein forms R736Q.
Identifiers: ClinVar variation 3340558 (VCV003340558.1).
Genomic context (GRCh38, chr2:148,998,506, plus strand): 5'-AGCAGCTGTCCAGACTCCGAGACGAAATTGAGGAGAAGCAGAAAATCATTGATGAGATTC[G>A]GGAGTGAGTCGGCCCAGGGCACCAGGGGTGTGGGGGTGGTCATGCCTCGGTCCTCTTGGG-3'
Protein context (NP_004513.1, residues 726-746): EEKQKIIDEI[Arg736Gln]DLNQKLQLEQ